The following is an entry in ClinVar:

ClinVar aggregate classification (germline): Uncertain significance (1 of 4 stars; one submission).

Conditions:
Ullrich congenital muscular dystrophy 1A. Also called: Ullrich congenital muscular dystrophy 1; Intermediate COL6-RD. Identifiers: Orphanet 75840, MedGen C0410179, MONDO:0009681, OMIM 254090.
Bethlem myopathy 1A. Also called: MYOPATHY, BENIGN CONGENITAL, WITH CONTRACTURES; Bethlem myopathy 1; Bethlem Muscular Dystrophy. Identifiers: Orphanet 610, MedGen CN029274, MONDO:0024530, OMIM 158810.
Myosclerosis. Also called: MYOPATHY, MYOSCLEROTIC; MYOSCLEROSIS, CONGENITAL, OF LOWENTHAL; Myosclerosis, congenital. Identifiers: Orphanet 289380, MedGen C1850671, MONDO:0009714, OMIM 255600.

Submission:

Kariminejad - Najmabadi Pathology & Genetics Center
Classification: Uncertain significance for Myosclerosis; Bethlem myopathy 1A; Ullrich congenital muscular dystrophy 1A. Last evaluated: 2020-09-08. Review status: criteria provided, single submitter. Criteria: ACMG Guidelines, 2015. Collection method: clinical testing. Allele origin: germline. Inheritance: Autosomal recessive inheritance. Affected: yes.
Comment: PM2, PP3

NM_001849.4(COL6A2):c.2093_2097delinsTAGGT (p.Ala698Val)

Gene: COL6A2 (collagen type VI alpha 2 chain; plus strand). Cytogenetic location: 21q22.3.
Variant type: Indel.
Coding change: c.2093_2097delinsTAGGT on transcript NM_001849.4 (MANE Select); coding-DNA positions 2093 to 2097, CGGGC replaced by TAGGT.
Protein change: p.Ala698Val; replaces alanine 698 with valine.
Molecular consequence: missense variant.
Genome position (GRCh38, 1-based): chr21:46,125,908-46,125,912, CGGGC replaced by TAGGT. VCF-style: chr21-46125908-CGGGC-TAGGT. GRCh37 (hg19) VCF-style: chr21-47545822-CGGGC-TAGGT.
Other names: c.2093_2097delinsTAGGT, p.Ala698Val (NM_058174.3, NM_058175.3); short protein forms A698V.
Identifiers: ClinVar variation 3896823 (VCV003896823.1).